The following is an entry in ClinVar:

NM_001364905.1(LRBA):c.2893A>G (p.Ile965Val)

Gene: LRBA (LPS responsive beige-like anchor protein; minus strand). Cytogenetic location: 4q31.3.
Variant type: single nucleotide variant.
Coding change: c.2893A>G on transcript NM_001364905.1 (MANE Select); coding-DNA position 2893, A replaced by G.
Protein change: p.Ile965Val; replaces isoleucine 965 with valine.
Molecular consequence: missense variant.
Genome position (GRCh38, 1-based): chr4:150,852,817, T>C on the plus strand (A>G on the coding strand, the complement: LRBA is on the minus strand). VCF-style: chr4-150852817-T-C. GRCh37 (hg19) VCF-style: chr4-151773969-T-C.
Other names: c.2893A>G, p.Ile965Val (NM_001199282.3, NM_001367550.1, NM_006726.5); short protein forms I965V.
Identifiers: ClinVar variation 1464587 (VCV001464587.8), dbSNP rs1750769346, ClinGen allele CA358460268.

ClinVar aggregate classification (germline): Uncertain significance (1 of 4 stars; one submission).

Conditions:
Combined immunodeficiency due to LRBA deficiency. Also called: Common variable immunodeficiency 8, with autoimmunity. Identifiers: Orphanet 445018, MedGen C3553512, MONDO:0013863, OMIM 614700.

Allele frequency attached by ClinVar (database versions not stated): gnomAD exomes below 0.00001; TOPMed below 0.00001.
gnomAD v4.1: 1 of 1,613,998 alleles (0.000062%); highest among the groups gnomAD compares: Non-Finnish European, 0.000085%; no homozygotes.

Submission:

Labcorp Genetics (formerly Invitae), Labcorp
Classification: Uncertain significance for Combined immunodeficiency due to LRBA deficiency. Last evaluated: 2022-09-27. Review status: criteria provided, single submitter. Criteria: Invitae Variant Classification Sherloc (09022015). Collection method: clinical testing. Allele origin: germline.
Comment: In summary, the available evidence is currently insufficient to determine the role of this variant in disease. Therefore, it has been classified as a Variant of Uncertain Significance. Advanced modeling of protein sequence and biophysical properties (such as structural, functional, and spatial information, amino acid conservation, physicochemical variation, residue mobility, and thermodynamic stability) performed at Invitae indicates that this missense variant is not expected to disrupt LRBA protein function. ClinVar contains an entry for this variant (Variation ID: 1464587). This variant has not been reported in the literature in individuals affected with LRBA-related conditions. This variant is not present in population databases (gnomAD no frequency). This sequence change replaces isoleucine, which is neutral and non-polar, with valine, which is neutral and non-polar, at codon 965 of the LRBA protein (p.Ile965Val).